The following is an entry in ClinVar:

NM_000038.6(APC):c.933+1G>T

Gene: APC (APC regulator of Wnt signaling pathway; plus strand). Cytogenetic location: 5q22.2.
Variant type: single nucleotide variant.
Coding change: c.933+1G>T on transcript NM_000038.6 (MANE Select); the canonical splice donor site of the intron after coding-DNA position 933, G replaced by T.
Molecular consequence: splice donor variant.
Genome position (GRCh38, 1-based): chr5:112,815,594, G>T. VCF-style: chr5-112815594-G-T. GRCh37 (hg19) VCF-style: chr5-112151291-G-T.
Other names: c.84+1G>T (NM_001407470.1, NM_001407472.1, NM_001354906.2 and 1 more transcripts); c.933+1G>T (NM_001407447.1, NM_001354895.2, NM_001407456.1 and 12 more transcripts); c.756+1G>T (NM_001354905.2, NM_001354900.2, NM_001354901.2 and 1 more transcripts); c.849+1G>T (NM_001407452.1, NM_001407469.1, NM_001354899.2 and 1 more transcripts); c.963+1G>T (NM_001407446.1, NM_001354897.2, NM_001354902.2); c.879+1G>T (NM_001127511.3); c.858+1G>T (NM_001407451.1, NM_001354898.2, NM_001354904.2).
Identifiers: ClinVar variation 4843502 (VCV004843502.1).
Genomic context (GRCh38, chr5:112,815,594, plus strand): 5'-TTGAGTTCTAGTAGCACACACTCTGCACCTCGAAGGCTGACAAGTCATCTGGGAACCAAG[G>T]TAACAGAAGATTACAAACCCTGGTCACTAATGCCATGACTACTTTGCTAAGACATTCTTG-3'

ClinVar aggregate classification (germline): Likely pathogenic (1 of 4 stars; one submission).

Conditions:
Hereditary cancer-predisposing syndrome. Also called: Neoplastic Syndromes, Hereditary; Tumor predisposition; Hereditary Cancer Syndrome; Hereditary neoplastic syndrome. Identifiers: Orphanet 140162, MedGen C0027672, MeSH D009386, MONDO:0015356.

Submission:

Ambry Genetics
Classification: Likely pathogenic for Hereditary cancer-predisposing syndrome. Last evaluated: 2025-12-16. Review status: criteria provided, single submitter. Criteria: Ambry Variant Classification Scheme 2023. Collection method: clinical testing. Allele origin: germline.
Comment: The c.933+1G>T intronic variant results from a G to T substitution one nucleotide after coding exon 8 of the APC gene. This nucleotide position is highly conserved in available vertebrate species. In silico splice site analysis predicts that this alteration will weaken the native splice donor site; however, direct evidence is insufficient at this time (Ambry internal data). This variant is considered to be rare based on population cohorts in the Genome Aggregation Database (gnomAD). Alterations that disrupt the canonical splice site are expected to cause aberrant splicing, resulting in an abnormal protein or a transcript that is subject to nonsense-mediated mRNA decay. As such, this alteration is classified as likely pathogenic.